The following is an entry in ClinVar:

ClinVar aggregate classification (germline): Conflicting classifications of pathogenicity. Review status: criteria provided, conflicting classifications (1 of 4 stars). 7 submissions from 7 submitters: Uncertain significance (1); Likely benign (5). 1 of the submissions does not count toward it. Last evaluated 2024-12-15.

Conditions:
EHMT1-related disorder. Also called: EHMT1-related condition.
Kleefstra syndrome 1 (KLEFS1). Identifiers: Orphanet 261494, MedGen C0795833, MONDO:0027407, OMIM 610253.

Allele frequency attached by ClinVar (database versions not stated): gnomAD exomes 0.00005; ExAC 0.00007; gnomAD 0.00007 and 0.00008; TOPMed 0.00009.
gnomAD v4.1: 87 of 1,612,842 alleles (0.0054%); highest among the groups gnomAD compares: Middle Eastern, 0.016%; no homozygotes.

Submissions (7):

Labcorp Genetics (formerly Invitae), Labcorp
Classification: Likely benign for Kleefstra syndrome 1. Last evaluated: 2024-12-15. Review status: criteria provided, single submitter. Criteria: Invitae Variant Classification Sherloc (09022015). Collection method: clinical testing. Allele origin: germline.

Blueprint Genetics
Classification: Likely benign. Last evaluated: 2024-07-10. Review status: criteria provided, single submitter. Criteria: ACMG Guidelines, 2015. Collection method: clinical testing. Allele origin: germline.

CeGaT Center for Human Genetics Tuebingen
Classification: Likely benign. Last evaluated: 2023-08-01. Review status: criteria provided, single submitter. Criteria: CeGaT Center For Human Genetics Tuebingen Variant Classification Criteria Version 2. Collection method: clinical testing. Allele origin: germline. Affected: yes. Observed: 1 variant allele.
Comment: EHMT1: BP4, BP7

GeneDx
Classification: Likely benign. Last evaluated: 2021-04-27. Review status: criteria provided, single submitter. Criteria: GeneDx Variant Classification Process June 2021. Collection method: clinical testing. Allele origin: germline. Affected: yes.

Genetic Services Laboratory, University of Chicago
Classification: Likely benign. Last evaluated: 2016-08-22. Review status: criteria provided, single submitter. Criteria: ACMG Guidelines, 2015. Collection method: clinical testing. Allele origin: germline. Affected: no.

Eurofins Ntd Llc (ga)
Classification: Uncertain significance. Last evaluated: 2014-06-12. Review status: criteria provided, single submitter. Criteria: EGL Classification Definitions 2015. Collection method: clinical testing. Allele origin: germline.

PreventionGenetics, part of Exact Sciences
Classification: Likely benign for EHMT1-related condition. Last evaluated: 2023-04-25. Review status: no assertion criteria provided. Collection method: clinical testing. Allele origin: germline. Not counted in ClinVar's aggregate classification.
Comment: This variant is classified as likely benign based on ACMG/AMP sequence variant interpretation guidelines (Richards et al. 2015 PMID: 25741868, with internal and published modifications).

NM_024757.5(EHMT1):c.2595C>T (p.Asp865=)

Gene: EHMT1 (euchromatic histone lysine methyltransferase 1; plus strand). Cytogenetic location: 9q34.3.
Variant type: single nucleotide variant.
Coding change: c.2595C>T on transcript NM_024757.5 (MANE Select); coding-DNA position 2595, C replaced by T.
Protein change: p.Asp865=; no amino-acid change (aspartic acid 865 retained).
Molecular consequence: synonymous variant.
Genome position (GRCh38, 1-based): chr9:137,798,902, C>T. VCF-style: chr9-137798902-C-T. GRCh37 (hg19) VCF-style: chr9-140693354-C-T.
Other names: c.2574C>T, p.Asp858= (NM_001354263.2).
Identifiers: ClinVar variation 194788 (VCV000194788.49), dbSNP rs780742937, ClinGen allele CA240960.